The following is an entry in ClinVar:

NM_000275.3(OCA2):c.1718G>A (p.Arg573His)

Gene: OCA2 (OCA2 melanosomal transmembrane protein; minus strand). Cytogenetic location: 15q13.1.
Variant type: single nucleotide variant.
Coding change: c.1718G>A on transcript NM_000275.3 (MANE Select); coding-DNA position 1718, G replaced by A.
Protein change: p.Arg573His; replaces arginine 573 with histidine.
Molecular consequence: missense variant.
Genome position (GRCh38, 1-based): chr15:27,957,654, C>T on the plus strand (G>A on the coding strand, the complement: OCA2 is on the minus strand). VCF-style: chr15-27957654-C-T. GRCh37 (hg19) VCF-style: chr15-28202800-C-T.
Other names: c.1646G>A, p.Arg549His (NM_001300984.2); short protein forms R573H, R549H.
Identifiers: ClinVar variation 1480746 (VCV001480746.3), dbSNP rs761217860, ClinGen allele CA7438936.

ClinVar aggregate classification (germline): Uncertain significance (1 of 4 stars; one submission).

Allele frequency attached by ClinVar (database versions not stated): gnomAD exomes below 0.00001 and 0.00001; ExAC 0.00001; gnomAD 0.00001.
gnomAD v4.1: 7 of 1,612,924 alleles (0.00043%); highest among the groups gnomAD compares: South Asian, 0.0011%; no homozygotes.

Submission:

Labcorp Genetics (formerly Invitae), Labcorp
Classification: Uncertain significance. Last evaluated: 2022-02-08. Review status: criteria provided, single submitter. Criteria: Invitae Variant Classification Sherloc (09022015). Collection method: clinical testing. Allele origin: germline.
Comment: This sequence change replaces arginine, which is basic and polar, with histidine, which is basic and polar, at codon 573 of the OCA2 protein (p.Arg573His). This variant is present in population databases (rs761217860, gnomAD 0.003%). This variant has not been reported in the literature in individuals affected with OCA2-related conditions. Advanced modeling of protein sequence and biophysical properties (such as structural, functional, and spatial information, amino acid conservation, physicochemical variation, residue mobility, and thermodynamic stability) performed at Invitae indicates that this missense variant is not expected to disrupt OCA2 protein function. In summary, the available evidence is currently insufficient to determine the role of this variant in disease. Therefore, it has been classified as a Variant of Uncertain Significance.